The following is an entry in ClinVar:

NM_001350451.2(RBFOX3):c.1058C>T (p.Thr353Ile)

Gene: RBFOX3 (RNA binding fox-1 homolog 3; minus strand). Cytogenetic location: 17q25.3.
Variant type: single nucleotide variant.
Coding change: c.1058C>T on transcript NM_001350451.2 (MANE Select); coding-DNA position 1058, C replaced by T.
Protein change: p.Thr353Ile; replaces threonine 353 with isoleucine.
Molecular consequence: missense variant.
Genome position (GRCh38, 1-based): chr17:79,094,470, G>A on the plus strand (C>T on the coding strand, the complement: RBFOX3 is on the minus strand). VCF-style: chr17-79094470-G-A. GRCh37 (hg19) VCF-style: chr17-77090552-G-A.
Other names: c.917C>T, p.Thr306Ile (NM_001082575.3, NM_001350453.2, NM_001385834.1 and 16 more transcripts); c.1058C>T, p.Thr353Ile (NM_001385804.1, NM_001385815.1, NM_001385816.1 and 14 more transcripts); c.1055C>T, p.Thr352Ile (NM_001385822.1, NM_001385823.1, NM_001385806.1); c.965C>T, p.Thr322Ile (NM_001385824.1); c.938C>T, p.Thr313Ile (NM_001385827.1); c.914C>T, p.Thr305Ile (NM_001385843.1, NM_001385844.1, NM_001385845.1 and 1 more transcripts); c.770C>T, p.Thr257Ile (NM_001385847.1); short protein forms T305I, T306I, T322I, T257I, T313I, T352I, T353I.
Identifiers: ClinVar variation 2726462 (VCV002726462.3), dbSNP rs1380998131, ClinGen allele CA401315651.
Genomic context (GRCh38, chr17:79,094,470, plus strand): 5'-TAGGACTGGCACCCAGGGCTGGGCGGGCCTGGGCTCCTTACCATGGTTCCAATGCTGTAG[G>A]TCGCCGCGGGCCCGATGGTGTGATGGTACGGGTCGGCAGCTGCGTAGACTCTGCCGTAAC-3'
Protein context (NP_001337380.1, residues 343-359): PYHHTIGPAA[Thr353Ile]YSIGTM

ClinVar aggregate classification (germline): Uncertain significance (1 of 4 stars; one submission).

Conditions:
Idiopathic generalized epilepsy. Also called: Generalised epilepsy; EIG. Identifiers: MedGen C0270850, MONDO:0005579, OMIM 600669.

Submission:

Labcorp Genetics (formerly Invitae), Labcorp
Classification: Uncertain significance for Idiopathic generalized epilepsy. Last evaluated: 2024-01-17. Review status: criteria provided, single submitter. Criteria: Invitae Variant Classification Sherloc (09022015). Collection method: clinical testing. Allele origin: germline.
Comment: This sequence change replaces threonine, which is neutral and polar, with isoleucine, which is neutral and non-polar, at codon 306 of the RBFOX3 protein (p.Thr306Ile). This variant is not present in population databases (gnomAD no frequency). This variant has not been reported in the literature in individuals affected with RBFOX3-related conditions. An algorithm developed to predict the effect of missense changes on protein structure and function (PolyPhen-2) suggests that this variant is likely to be disruptive. In summary, the available evidence is currently insufficient to determine the role of this variant in disease. Therefore, it has been classified as a Variant of Uncertain Significance.